The following is an entry in ClinVar:

NM_000501.4(ELN):c.862dup (p.Ala288fs)

Gene: ELN (elastin; plus strand). Cytogenetic location: 7q11.23.
Variant type: Duplication.
Coding change: c.862dup on transcript NM_000501.4 (MANE Select); coding-DNA position 862, one base duplicated (G; older notation c.862dupG).
Protein change: p.Ala288fs; shifts the reading frame from alanine 288.
Molecular consequence: frameshift variant.
Genome position (GRCh38, 1-based): chr7:74,051,812, G duplicated; the last of 4 consecutive G bases (chr7:74,051,809-74,051,812); duplicating any one gives the same sequence. VCF-style (leftmost placement, unchanged base first): chr7-74051808-T-TG. GRCh37 (hg19) VCF-style: chr7-73466138-T-TG.
Other names: p.Ala288GlyfsX25; c.832dup, p.Ala278fs (NM_001081752.3, NM_001278917.2); c.877dup, p.Ala293fs (NM_001081753.3, NM_001081754.3); c.862dup, p.Ala288fs (NM_001081755.3, NM_001278912.2, NM_001278915.2 and 1 more transcripts); c.754dup, p.Ala252fs (NM_001278913.2); c.847dup, p.Ala283fs (NM_001278914.2); c.820dup, p.Ala274fs (NM_001278916.2); c.730dup, p.Ala244fs (NM_001278918.2); and 1 more; short protein forms A244fs, A283fs, A293fs, A274fs, A278fs, A252fs, A288fs.
Identifiers: ClinVar variation 163388 (VCV000163388.4), dbSNP rs727503028, ClinGen allele CA281472.

ClinVar aggregate classification (germline): Pathogenic. Review status: criteria provided, multiple submitters, no conflicts (2 of 4 stars). 2 submissions from 2 submitters: Pathogenic (2). Last evaluated 2014-06-25.

Conditions:
Supravalvar aortic stenosis (SVAS). Also called: Supravalvar aortic stenosis, Eisenberg type. Identifiers: Orphanet 3193, MedGen C0003499, MONDO:0008504, OMIM 185500, HP:0004381.

Submissions (2):

GeneDx
Classification: Pathogenic. Last evaluated: 2014-06-25. Review status: criteria provided, single submitter. Criteria: GeneDx Variant Classification (06012015). Collection method: clinical testing. Allele origin: germline. Affected: yes.
Comment: The c.862dupG mutation in the ELN gene causes a frameshift starting with codon Alanine 288, changes this amino acid to a Glycine residue and creates a premature Stop codon at position 25 of the new reading frame, denoted p.Ala288GlyfsX25. This mutation is predicted to cause loss of normal protein function either through protein truncation or nonsense-mediated mRNA decay. This mutation has not been previously reported to our knowledge. This variant was found in ELN

Laboratory for Molecular Medicine, Mass General Brigham Personalized Medicine
Classification: Pathogenic for Supravalvular aortic stenosis. Last evaluated: 2012-08-07. Review status: criteria provided, single submitter. Criteria: LMM Criteria. Collection method: clinical testing. Allele origin: germline. Inheritance: Autosomal dominant inheritance. Observed: 1 variant allele.
Comment: The Ala288fs variant in ELN has not been previously reported in the literature n or previously identified by our laboratory. This frameshift variant is predicted to alter the protein?s amino acid sequence beginning at position 288 and lead t o a premature termination codon 25 amino acids downstream. This alteration is th en predicted to lead to a truncated or absent protein. Loss of function of the ELN gene is an established mechanism of disease in SVAS (Human Gene Mutation Dat abase, HGMD). In summary, the Ala288fs variant meets our criteria for pathogenic ity.